The following is an entry in ClinVar:

NM_000038.6(APC):c.4599T>G (p.Asn1533Lys)

Gene: APC (APC regulator of Wnt signaling pathway; plus strand). Cytogenetic location: 5q22.2.
Variant type: single nucleotide variant.
Coding change: c.4599T>G on transcript NM_000038.6 (MANE Select); coding-DNA position 4599, T replaced by G.
Protein change: p.Asn1533Lys; replaces asparagine 1533 with lysine.
Molecular consequence: missense variant.
Genome position (GRCh38, 1-based): chr5:112,840,193, T>G. VCF-style: chr5-112840193-T-G. GRCh37 (hg19) VCF-style: chr5-112175890-T-G.
Other names: c.4599T>G, p.Asn1533Lys (NM_001127510.3, NM_001354895.2); c.4545T>G, p.Asn1515Lys (NM_001127511.3); c.4653T>G, p.Asn1551Lys (NM_001354896.2); c.4629T>G, p.Asn1543Lys (NM_001354897.2); c.4524T>G, p.Asn1508Lys (NM_001354898.2); c.4515T>G, p.Asn1505Lys (NM_001354899.2); c.4476T>G, p.Asn1492Lys (NM_001354900.2); c.4422T>G, p.Asn1474Lys (NM_001354901.2); and 5 more; short protein forms N1250K, N1432K, N1515K, N1551K, N1373K, N1505K, N1543K, N1407K.
Identifiers: ClinVar variation 1486299 (VCV001486299.8), dbSNP rs876658897, ClinGen allele CA16031405.

ClinVar aggregate classification (germline): Uncertain significance (1 of 4 stars; one submission).

Conditions:
Familial adenomatous polyposis 1 (FAP1). Also called: POLYPOSIS, ADENOMATOUS INTESTINAL; FAMILIAL ADENOMATOUS POLYPOSIS 1, ATTENUATED. Identifiers: MedGen C2713442, MONDO:0021056, OMIM 175100. Disease mechanism: loss of function.

Submission:

Labcorp Genetics (formerly Invitae), Labcorp
Classification: Uncertain significance for Familial adenomatous polyposis 1. Last evaluated: 2020-11-03. Review status: criteria provided, single submitter. Criteria: Invitae Variant Classification Sherloc (09022015). Collection method: clinical testing. Allele origin: germline.
Comment: This sequence change replaces asparagine with lysine at codon 1533 of the APC protein (p.Asn1533Lys). The asparagine residue is moderately conserved and there is a moderate physicochemical difference between asparagine and lysine. This variant is not present in population databases (ExAC no frequency). This variant has not been reported in the literature in individuals with APC-related conditions. Algorithms developed to predict the effect of missense changes on protein structure and function (SIFT, PolyPhen-2, Align-GVGD) all suggest that this variant is likely to be tolerated, but these predictions have not been confirmed by published functional studies and their clinical significance is uncertain. In summary, the available evidence is currently insufficient to determine the role of this variant in disease. Therefore, it has been classified as a Variant of Uncertain Significance.